The following is an entry in ClinVar:

ClinVar aggregate classification (germline): Uncertain significance (1 of 4 stars; one submission).

Submission:

Labcorp Genetics (formerly Invitae), Labcorp
Classification: Uncertain significance. Last evaluated: 2022-04-16. Review status: criteria provided, single submitter. Criteria: Invitae Variant Classification Sherloc (09022015). Collection method: clinical testing. Allele origin: germline.
Comment: This variant has not been reported in the literature in individuals affected with CDHR1-related conditions. Advanced modeling of protein sequence and biophysical properties (such as structural, functional, and spatial information, amino acid conservation, physicochemical variation, residue mobility, and thermodynamic stability) performed at Invitae indicates that this missense variant is not expected to disrupt CDHR1 protein function. In summary, the available evidence is currently insufficient to determine the role of this variant in disease. Therefore, it has been classified as a Variant of Uncertain Significance. This variant is not present in population databases (gnomAD no frequency). This sequence change replaces lysine, which is basic and polar, with glutamic acid, which is acidic and polar, at codon 583 of the CDHR1 protein (p.Lys583Glu).

NM_033100.4(CDHR1):c.1747A>G (p.Lys583Glu)

Gene: CDHR1 (cadherin related family member 1; plus strand). Cytogenetic location: 10q23.1.
Variant type: single nucleotide variant.
Coding change: c.1747A>G on transcript NM_033100.4 (MANE Select); coding-DNA position 1747, A replaced by G.
Protein change: p.Lys583Glu; replaces lysine 583 with glutamic acid.
Molecular consequence: missense variant.
Genome position (GRCh38, 1-based): chr10:84,212,372, A>G. VCF-style: chr10-84212372-A-G. GRCh37 (hg19) VCF-style: chr10-85972128-A-G.
Other names: c.1747A>G, p.Lys583Glu (NM_001171971.3); short protein forms K583E.
Identifiers: ClinVar variation 2126739 (VCV002126739.4), dbSNP rs2492539513, ClinGen allele CA377378155.
Genomic context (GRCh38, chr10:84,212,372, plus strand): 5'-TTTATCACACTGCTGGATGTCAATGACCACCCCCCTCAGTTTGGAAAGAGCGTTCAGAAG[A>G]AGACGATGGTGCTAGGGACCCCAGTGAAAATTGAGGTAAGTTTTGGAGGCAGCTGAGCTC-3'
Protein context (NP_149091.1, residues 573-593): PPQFGKSVQK[Lys583Glu]TMVLGTPVKI